The following is an entry in ClinVar:

NM_002700.3(POU4F3):c.948C>G (p.Asn316Lys)

Genes: POU4F3 (POU class 4 homeobox 3; plus strand), RBM27-POU4F3 (RBM27-POU4F3 readthrough; plus strand). Cytogenetic location: 5q32.
Variant type: single nucleotide variant.
Coding change: c.948C>G on transcript NM_002700.3 (MANE Select); coding-DNA position 948, C replaced by G.
Protein change: p.Asn316Lys; replaces asparagine 316 with lysine.
Molecular consequence: missense variant.
Genome position (GRCh38, 1-based): chr5:146,340,375, C>G. VCF-style: chr5-146340375-C-G. GRCh37 (hg19) VCF-style: chr5-145719938-C-G.
Other names: short protein forms N316K.
Identifiers: ClinVar variation 351386 (VCV000351386.32), dbSNP rs149303333, ClinGen allele CA3491235.

ClinVar aggregate classification (germline): Conflicting classifications of pathogenicity. Review status: criteria provided, conflicting classifications (1 of 4 stars). 6 submissions from 6 submitters: Uncertain significance (2); Benign (1); Likely benign (2). 1 of the submissions does not count toward it. Last evaluated 2025-08-22.

Conditions:
POU4F3-related disorder. Also called: POU4F3-related condition.
Autosomal dominant nonsyndromic hearing loss 15 (DFNA15). Also called: DEAFNESS, AUTOSOMAL DOMINANT 52; Autosomal dominant nonsyndromic hearing loss 52. Identifiers: Orphanet 90635, MedGen C1865366, MONDO:0011226, OMIM 602459.

Allele frequency attached by ClinVar (database versions not stated): 1000 Genomes Project 30x 0.00016; 1000 Genomes Project 0.00020; ExAC 0.00037; TOPMed 0.00057; ESP Exome Variant Server 0.00077.

Submissions (6):

Labcorp Genetics (formerly Invitae), Labcorp
Classification: Uncertain significance. Last evaluated: 2025-08-22. Review status: criteria provided, single submitter. Criteria: Invitae Variant Classification Sherloc (09022015). Collection method: clinical testing. Allele origin: germline.
Comment: This sequence change replaces asparagine, which is neutral and polar, with lysine, which is basic and polar, at codon 316 of the POU4F3 protein (p.Asn316Lys). This variant is present in population databases (rs149303333, gnomAD 0.06%), and has an allele count higher than expected for a pathogenic variant. This variant has not been reported in the literature in individuals affected with POU4F3-related conditions. ClinVar contains an entry for this variant (Variation ID: 351386). Invitae Evidence Modeling of protein sequence and biophysical properties (such as structural, functional, and spatial information, amino acid conservation, physicochemical variation, residue mobility, and thermodynamic stability) indicates that this missense variant is expected to disrupt POU4F3 protein function with a positive predictive value of 80%. Algorithms developed to predict the effect of sequence changes on RNA splicing suggest that this variant may create or strengthen a splice site. In summary, the available evidence is currently insufficient to determine the role of this variant in disease. Therefore, it has been classified as a Variant of Uncertain Significance.

CeGaT Center for Human Genetics Tuebingen
Classification: Benign. Last evaluated: 2024-09-01. Review status: criteria provided, single submitter. Criteria: CeGaT Center For Human Genetics Tuebingen Variant Classification Criteria Version 2. Collection method: clinical testing. Allele origin: germline. Affected: yes. Observed: 1 variant allele.
Comment: POU4F3: PP3, BS1, BS2

GeneDx
Classification: Likely benign. Last evaluated: 2020-07-15. Review status: criteria provided, single submitter. Criteria: GeneDx Variant Classification Process June 2021. Collection method: clinical testing. Allele origin: germline. Affected: yes.
Comment: In silico analysis, which includes protein predictors and evolutionary conservation, supports a deleterious effect; Has not been previously published as pathogenic or benign to our knowledge

Laboratory for Molecular Medicine, Mass General Brigham Personalized Medicine
Classification: Uncertain significance. Last evaluated: 2018-01-28. Review status: criteria provided, single submitter. Criteria: LMM Criteria. Collection method: clinical testing. Allele origin: germline. Observed: 1 variant allele.
Comment: The p.Asn316Lys variant in POU4F3 has not been previously reported in individual s with hearing loss, but is listed in ClinVar (Variation ID:351386), and has bee n identified in 0.06% (77/126594) of European chromosomes by the Genome Aggregat ion Database (gnomAD; dbSNP rs149303333). Alt hough this variant has been seen in the general population, its frequency is not high enough to rule out a pathogenic role. Computational prediction tools and c onservation analyses suggest that this variant may impact the protein, though th is information is not predictive enough to determine pathogenicity. In summary, the clinical significance of the p.Asn316Lys variant is uncertain. ACMG/AMP Crit eria applied: PP3.

Illumina Laboratory Services, Illumina
Classification: Likely benign for Autosomal dominant nonsyndromic hearing loss 15. Last evaluated: 2018-01-13. Review status: criteria provided, single submitter. Criteria: ICSL Variant Classification Criteria 13 December 2019. Collection method: clinical testing. Allele origin: germline.
Comment: This variant was observed in the ICSL laboratory as part of a predisposition screen in an ostensibly healthy population. It had not been previously curated by ICSL or reported in the Human Gene Mutation Database (HGMD: prior to June 1st, 2018), and was therefore a candidate for classification through an automated scoring system. Utilizing variant allele frequency, disease prevalence and penetrance estimates, and inheritance mode, an automated score was calculated to assess if this variant is too frequent to cause the disease. Based on the score and internal cut-off values, a variant classified as likely benign is not then subjected to further curation. The score for this variant resulted in a classification of likely benign for this disease.

PreventionGenetics, part of Exact Sciences
Classification: Likely benign for POU4F3-related condition. Last evaluated: 2022-02-28. Review status: no assertion criteria provided. Collection method: clinical testing. Allele origin: germline. Not counted in ClinVar's aggregate classification.
Comment: This variant is classified as likely benign based on ACMG/AMP sequence variant interpretation guidelines (Richards et al. 2015 PMID: 25741868, with internal and published modifications).